The following is an entry in ClinVar:

NM_019892.6(INPP5E):c.1485G>A (p.Gln495=)

Gene: INPP5E (inositol polyphosphate-5-phosphatase E; minus strand). Cytogenetic location: 9q34.3.
Variant type: single nucleotide variant.
Coding change: c.1485G>A on transcript NM_019892.6 (MANE Select); coding-DNA position 1485, G replaced by A.
Protein change: p.Gln495=; no amino-acid change (glutamine 495 retained).
Molecular consequence: synonymous variant.
Genome position (GRCh38, 1-based): chr9:136,431,888, C>T on the plus strand (G>A on the coding strand, the complement: INPP5E is on the minus strand). VCF-style: chr9-136431888-C-T. GRCh37 (hg19) VCF-style: chr9-139326340-C-T.
Other names: c.1482G>A, p.Gln494= (NM_001318502.2).
Identifiers: ClinVar variation 4995281 (VCV004995281.1).

ClinVar aggregate classification (germline): Likely benign (1 of 4 stars; one submission).

Conditions:
INPP5E-related disorder. Also called: INPP5E-related condition.

Submission:

PreventionGenetics, part of Exact Sciences
Classification: Likely benign for INPP5E-related condition. Last evaluated: 2026-06-07. Review status: criteria provided, single submitter. Criteria: ACMG Guidelines, 2015. Collection method: clinical testing. Allele origin: germline.
Comment: This variant is classified as likely benign based on ACMG/AMP sequence variant interpretation guidelines (Richards et al. 2015 PMID: 25741868, with internal and published modifications).